The following is an entry in ClinVar:

NM_001349253.2(SCN11A):c.731G>A (p.Gly244Glu)

Gene: SCN11A (sodium voltage-gated channel alpha subunit 11; minus strand). Cytogenetic location: 3p22.2.
Variant type: single nucleotide variant.
Coding change: c.731G>A on transcript NM_001349253.2 (MANE Select); coding-DNA position 731, G replaced by A.
Protein change: p.Gly244Glu; replaces glycine 244 with glutamic acid.
Molecular consequence: missense variant.
Genome position (GRCh38, 1-based): chr3:38,921,237, C>T on the plus strand (G>A on the coding strand, the complement: SCN11A is on the minus strand). VCF-style: chr3-38921237-C-T. GRCh37 (hg19) VCF-style: chr3-38962728-C-T.
Other names: c.731G>A, p.Gly244Glu (NM_014139.3); short protein forms G244E.
Identifiers: ClinVar variation 2927755 (VCV002927755.3), dbSNP rs2470632329, ClinGen allele CA352172418.

ClinVar aggregate classification (germline): Uncertain significance (1 of 4 stars; one submission).

Conditions:
Familial episodic pain syndrome with predominantly lower limb involvement. Also called: Episodic pain syndrome, familial, 3. Identifiers: Orphanet 391384, Orphanet 391392, MedGen C3809899, MONDO:0014247, OMIM 615552.
Hereditary sensory and autonomic neuropathy type 7. Also called: Neuropathy, hereditary sensory and autonomic, type VII; HSAN VII. Identifiers: Orphanet 391397, MedGen C3809882, MONDO:0014244, OMIM 615548.

Submission:

Labcorp Genetics (formerly Invitae), Labcorp
Classification: Uncertain significance for Familial episodic pain syndrome with predominantly lower limb involvement; Hereditary sensory and autonomic neuropathy type 7. Last evaluated: 2023-02-17. Review status: criteria provided, single submitter. Criteria: Invitae Variant Classification Sherloc (09022015). Collection method: clinical testing. Allele origin: germline.
Comment: In summary, the available evidence is currently insufficient to determine the role of this variant in disease. Therefore, it has been classified as a Variant of Uncertain Significance. Advanced modeling of protein sequence and biophysical properties (such as structural, functional, and spatial information, amino acid conservation, physicochemical variation, residue mobility, and thermodynamic stability) performed at Invitae indicates that this missense variant is expected to disrupt SCN11A protein function. This variant has not been reported in the literature in individuals affected with SCN11A-related conditions. This variant is not present in population databases (gnomAD no frequency). This sequence change replaces glycine, which is neutral and non-polar, with glutamic acid, which is acidic and polar, at codon 244 of the SCN11A protein (p.Gly244Glu).